The following is an entry in ClinVar:

NM_005428.4(VAV1):c.734G>T (p.Arg245Leu)

Gene: VAV1 (vav guanine nucleotide exchange factor 1; plus strand). Cytogenetic location: 19p13.3.
Variant type: single nucleotide variant.
Coding change: c.734G>T on transcript NM_005428.4 (MANE Select); coding-DNA position 734, G replaced by T.
Protein change: p.Arg245Leu; replaces arginine 245 with leucine.
Molecular consequence: missense variant.
Genome position (GRCh38, 1-based): chr19:6,825,313, G>T. VCF-style: chr19-6825313-G-T. GRCh37 (hg19) VCF-style: chr19-6825324-G-T.
Other names: c.734G>T, p.Arg245Leu (NM_001258206.2); c.638G>T, p.Arg213Leu (NM_001258207.2); short protein forms R213L, R245L.
Identifiers: ClinVar variation 3717257 (VCV003717257.2).

ClinVar aggregate classification (germline): Uncertain significance (1 of 4 stars; one submission).

gnomAD v4.1: 117 of 1,612,392 alleles (0.0073%); highest among the groups gnomAD compares: Non-Finnish European, 0.0093%; 1 homozygote.

Submission:

Labcorp Genetics (formerly Invitae), Labcorp
Classification: Uncertain significance. Last evaluated: 2025-06-22. Review status: criteria provided, single submitter. Criteria: Invitae Variant Classification Sherloc (09022015). Collection method: clinical testing. Allele origin: germline.
Comment: This sequence change replaces arginine, which is basic and polar, with leucine, which is neutral and non-polar, at codon 245 of the VAV1 protein (p.Arg245Leu). This variant is present in population databases (rs375421504, gnomAD 0.006%). This variant has not been reported in the literature in individuals affected with VAV1-related conditions. ClinVar contains an entry for this variant (Variation ID: 3717257). An algorithm developed to predict the effect of missense changes on protein structure and function (PolyPhen-2) suggests that this variant is likely to be tolerated. Algorithms developed to predict the effect of sequence changes on RNA splicing suggest that this variant may disrupt the consensus splice site. In summary, the available evidence is currently insufficient to determine the role of this variant in disease. Therefore, it has been classified as a Variant of Uncertain Significance.